The following is an entry in ClinVar:

NM_025114.4(CEP290):c.852+7A>G

Gene: CEP290 (centrosomal protein 290; minus strand). Cytogenetic location: 12q21.32.
Variant type: single nucleotide variant.
Coding change: c.852+7A>G on transcript NM_025114.4 (MANE Select); 7 bases into the intron after coding-DNA position 852, A replaced by G.
Molecular consequence: intron variant.
Genome position (GRCh38, 1-based): chr12:88,129,687, T>C on the plus strand (A>G on the coding strand, the complement: CEP290 is on the minus strand). VCF-style: chr12-88129687-T-C. GRCh37 (hg19) VCF-style: chr12-88523464-T-C.
Other names: c.852+7A>G (NM_025114.3).
Identifiers: ClinVar variation 1931120 (VCV001931120.6), dbSNP rs1470348762, ClinGen allele CA606454000.

ClinVar aggregate classification (germline): Likely benign. Review status: criteria provided, multiple submitters, no conflicts (2 of 4 stars). 2 submissions from 2 submitters: Likely benign (2). Last evaluated 2025-09-23.

Conditions:
CEP290-related disorder. Also called: CEP290-related condition; CEP290-related disorders. Identifiers: MedGen CN239314.
Meckel-Gruber syndrome. Also called: DYSENCEPHALIA SPLANCHNOCYSTICA; GRUBER SYNDROME; Dysencephalia splachnocystica. Identifiers: Orphanet 564, MedGen C0265215, MONDO:0018921.
Nephronophthisis. Also called: Juvenile Nephronophthisis. Identifiers: Orphanet 655, MedGen C0687120, MONDO:0019005, HP:0000090.
Joubert syndrome. Also called: Familial aplasia of the vermis; JOUBERT-BOLTSHAUSER SYNDROME. Identifiers: Orphanet 475, MedGen C5979921, MONDO:0018772.

gnomAD v4.1: 1 of 1,352,662 alleles (0.000074%); no homozygotes.

Submissions (2):

PreventionGenetics, part of Exact Sciences
Classification: Likely benign for CEP290-related condition. Last evaluated: 2025-09-23. Review status: criteria provided, single submitter. Criteria: ACMG Guidelines, 2015. Collection method: clinical testing. Allele origin: germline.
Comment: This variant is classified as likely benign based on ACMG/AMP sequence variant interpretation guidelines (Richards et al. 2015 PMID: 25741868, with internal and published modifications).

Labcorp Genetics (formerly Invitae), Labcorp
Classification: Likely benign for Joubert syndrome; Meckel-Gruber syndrome; Nephronophthisis. Last evaluated: 2025-03-17. Review status: criteria provided, single submitter. Criteria: Invitae Variant Classification Sherloc (09022015). Collection method: clinical testing. Allele origin: germline.